The following is an entry in ClinVar:

NM_000038.6(APC):c.5735C>G (p.Ala1912Gly)

Gene: APC (APC regulator of Wnt signaling pathway; plus strand). Cytogenetic location: 5q22.2.
Variant type: single nucleotide variant.
Coding change: c.5735C>G on transcript NM_000038.6 (MANE Select); coding-DNA position 5735, C replaced by G.
Protein change: p.Ala1912Gly; replaces alanine 1912 with glycine.
Molecular consequence: missense variant.
Genome position (GRCh38, 1-based): chr5:112,841,329, C>G. VCF-style: chr5-112841329-C-G. GRCh37 (hg19) VCF-style: chr5-112177026-C-G.
Other names: c.5735C>G, p.Ala1912Gly (NM_001127510.3, NM_001354895.2); c.5681C>G, p.Ala1894Gly (NM_001127511.3); c.5789C>G, p.Ala1930Gly (NM_001354896.2); c.5765C>G, p.Ala1922Gly (NM_001354897.2); c.5660C>G, p.Ala1887Gly (NM_001354898.2); c.5651C>G, p.Ala1884Gly (NM_001354899.2); c.5612C>G, p.Ala1871Gly (NM_001354900.2); c.5558C>G, p.Ala1853Gly (NM_001354901.2); and 5 more; short protein forms A1786G, A1894G, A1922G, A1887G, A1912G, A1811G, A1884G, A1629G.
Identifiers: ClinVar variation 660290 (VCV000660290.12), dbSNP rs1580663082, ClinGen allele CA16033888.

ClinVar aggregate classification (germline): Uncertain significance. Review status: criteria provided, multiple submitters, no conflicts (2 of 4 stars). 2 submissions from 2 submitters: Uncertain significance (2). Last evaluated 2022-04-29.

Conditions:
Familial adenomatous polyposis 1 (FAP1). Also called: POLYPOSIS, ADENOMATOUS INTESTINAL; FAMILIAL ADENOMATOUS POLYPOSIS 1, ATTENUATED. Identifiers: MedGen C2713442, MONDO:0021056, OMIM 175100. Disease mechanism: loss of function.
Hereditary cancer-predisposing syndrome. Also called: Hereditary neoplastic syndrome; Neoplastic Syndromes, Hereditary; Hereditary Cancer Syndrome; Tumor predisposition. Identifiers: Orphanet 140162, MedGen C0027672, MeSH D009386, MONDO:0015356.

Submissions (2):

Ambry Genetics
Classification: Uncertain significance for Hereditary cancer-predisposing syndrome. Last evaluated: 2022-04-29. Review status: criteria provided, single submitter. Criteria: Ambry Variant Classification Scheme 2023. Collection method: clinical testing. Allele origin: germline.
Comment: The p.A1912G variant (also known as c.5735C>G), located in coding exon 15 of the APC gene, results from a C to G substitution at nucleotide position 5735. The alanine at codon 1912 is replaced by glycine, an amino acid with similar properties. This amino acid position is conserved. In addition, in silico predictors for this gene do not accurately predict pathogenicity. Since supporting evidence is limited at this time, the clinical significance of this alteration remains unclear.

Labcorp Genetics (formerly Invitae), Labcorp
Classification: Uncertain significance for Familial adenomatous polyposis 1. Last evaluated: 2018-11-07. Review status: criteria provided, single submitter. Criteria: Invitae Variant Classification Sherloc (09022015). Collection method: clinical testing. Allele origin: germline.
Comment: This variant is not present in population databases (ExAC no frequency). This sequence change replaces alanine with glycine at codon 1912 of the APC protein (p.Ala1912Gly). The alanine residue is moderately conserved and there is a small physicochemical difference between alanine and glycine. In summary, the available evidence is currently insufficient to determine the role of this variant in disease. Therefore, it has been classified as a Variant of Uncertain Significance. This variant has not been reported in the literature in individuals with APC-related disease. Algorithms developed to predict the effect of missense changes on protein structure and function (SIFT, PolyPhen-2, Align-GVGD) all suggest that this variant is likely to be tolerated, but these predictions have not been confirmed by published functional studies and their clinical significance is uncertain. Algorithms developed to predict the effect of sequence changes on RNA splicing suggest that this variant may create or strengthen a splice site, but this prediction has not been confirmed by published transcriptional studies.